The following is an entry in ClinVar:

ClinVar aggregate classification (germline): Uncertain significance (1 of 4 stars; one submission).

Conditions:
Hypokalemic periodic paralysis, type 1. Also called: Hypokalemic Periodic Paralysis Type 1 (AD); HypoPP. Identifiers: Orphanet 681, MedGen C3714580, MONDO:0042979, OMIM 170400.
Malignant hyperthermia, susceptibility to, 5 (MHS5). Also called: CACNA1S-Related Malignant Hyperthermia Susceptibility. Identifiers: Orphanet 423, MedGen C1866077, MONDO:0011163, OMIM 601887.

Allele frequency attached by ClinVar (database versions not stated): TOPMed below 0.00001; ExAC 0.00001.

Submission:

Labcorp Genetics (formerly Invitae), Labcorp
Classification: Uncertain significance for Hypokalemic periodic paralysis, type 1; Malignant hyperthermia, susceptibility to, 5. Last evaluated: 2018-03-28. Review status: criteria provided, single submitter. Criteria: Invitae Variant Classification Sherloc (09022015). Collection method: clinical testing. Allele origin: germline.
Comment: In summary, the available evidence is currently insufficient to determine the role of this variant in disease. Therefore, it has been classified as a Variant of Uncertain Significance. Algorithms developed to predict the effect of missense changes on protein structure and function (SIFT, PolyPhen-2, Align-GVGD) all suggest that this variant is likely to be tolerated, but these predictions have not been confirmed by published functional studies and their clinical significance is uncertain. This variant has not been reported in the literature in individuals with CACNA1S-related disease. This variant is present in population databases (rs781500916, ExAC 0.01%). This sequence change replaces methionine with threonine at codon 1593 of the CACNA1S protein (p.Met1593Thr). The methionine residue is moderately conserved and there is a moderate physicochemical difference between methionine and threonine.

NM_000069.3(CACNA1S):c.4778T>C (p.Met1593Thr)

Gene: CACNA1S (calcium voltage-gated channel subunit alpha1 S; minus strand). Cytogenetic location: 1q32.1.
Variant type: single nucleotide variant.
Coding change: c.4778T>C on transcript NM_000069.3 (MANE Select); coding-DNA position 4778, T replaced by C.
Protein change: p.Met1593Thr; replaces methionine 1593 with threonine.
Molecular consequence: missense variant.
Genome position (GRCh38, 1-based): chr1:201,044,347, A>G on the plus strand (T>C on the coding strand, the complement: CACNA1S is on the minus strand). VCF-style: chr1-201044347-A-G. GRCh37 (hg19) VCF-style: chr1-201013475-A-G.
Other names: short protein forms M1593T.
Identifiers: ClinVar variation 579421 (VCV000579421.9), dbSNP rs781500916, ClinGen allele CA083569.